The following is an entry in ClinVar:

NM_001166114.2(PNPLA6):c.2261-13G>A

Gene: PNPLA6 (patatin like domain 6, lysophospholipase; plus strand). Cytogenetic location: 19p13.2.
Variant type: single nucleotide variant.
Coding change: c.2261-13G>A on transcript NM_001166114.2 (MANE Select); 13 bases into the intron before coding-DNA position 2261, G replaced by A.
Molecular consequence: intron variant.
Genome position (GRCh38, 1-based): chr19:7,553,862, G>A. VCF-style: chr19-7553862-G-A. GRCh37 (hg19) VCF-style: chr19-7618748-G-A.
Other names: c.2144-10G>A (NM_006702.5, NM_001166113.1); c.2066-13G>A (NM_001166112.2); c.2288-10G>A (NM_001166111.2).
Identifiers: ClinVar variation 2148997 (VCV002148997.4), dbSNP rs2023756155, ClinGen allele CA993163799.
Genomic context (GRCh38, chr19:7,553,862, plus strand): 5'-AAGAGGAGGAGGAGGGTTCATCTCTCTGGACACAGGTTCGCACCACAAATCTCATCCATT[G>A]GGTTCTTAGCAGGCTCTGGGTTGGGTGTGCCCCCACACTCGGAACTCACCAACCCAGCCA-3'

ClinVar aggregate classification (germline): Uncertain significance (1 of 4 stars; one submission).

Conditions:
Hereditary spastic paraplegia 39 (SPG39). Also called: SPASTIC PARAPLEGIA 39, AUTOSOMAL RECESSIVE; Spastic Paraplegia Type 39 (SPG39). Identifiers: Orphanet 139480, MedGen C2677586, MONDO:0012787, OMIM 612020.

Allele frequency attached by ClinVar (database versions not stated): gnomAD 0.00001.
gnomAD v4.1: 2 of 1,614,114 alleles (0.00012%); highest among the groups gnomAD compares: Non-Finnish European, 0.00017%; no homozygotes.

Submission:

Labcorp Genetics (formerly Invitae), Labcorp
Classification: Uncertain significance for Hereditary spastic paraplegia 39. Last evaluated: 2024-02-12. Review status: criteria provided, single submitter. Criteria: Invitae Variant Classification Sherloc (09022015). Collection method: clinical testing. Allele origin: germline.
Comment: This sequence change falls in intron 21 of the PNPLA6 gene. It does not directly change the encoded amino acid sequence of the PNPLA6 protein. This variant is not present in population databases (gnomAD no frequency). This variant has not been reported in the literature in individuals affected with PNPLA6-related conditions. ClinVar contains an entry for this variant (Variation ID: 2148997). Algorithms developed to predict the effect of sequence changes on RNA splicing suggest that this variant may disrupt the consensus splice site. In summary, the available evidence is currently insufficient to determine the role of this variant in disease. Therefore, it has been classified as a Variant of Uncertain Significance.